The following is an entry in ClinVar:

NM_025137.4(SPG11):c.2857G>A (p.Glu953Lys)

Gene: SPG11 (SPG11 vesicle trafficking associated, spatacsin; minus strand). Cytogenetic location: 15q21.1.
Variant type: single nucleotide variant.
Coding change: c.2857G>A on transcript NM_025137.4 (MANE Select); coding-DNA position 2857, G replaced by A.
Protein change: p.Glu953Lys; replaces glutamic acid 953 with lysine.
Molecular consequence: missense variant.
Genome position (GRCh38, 1-based): chr15:44,615,544, C>T on the plus strand (G>A on the coding strand, the complement: SPG11 is on the minus strand). VCF-style: chr15-44615544-C-T. GRCh37 (hg19) VCF-style: chr15-44907742-C-T.
Other names: c.2857G>A, p.Glu953Lys (NM_001160227.2); short protein forms E953K.
Identifiers: ClinVar variation 1059012 (VCV001059012.9), dbSNP rs372906057, ClinGen allele CA7535115.

ClinVar aggregate classification (germline): Uncertain significance (1 of 4 stars; one submission).

Conditions:
Hereditary spastic paraplegia 11. Also called: Nakamura Osame syndrome; Autosomal recessive hereditary spastic paraplegia, mental impairment, and thin corpus callosum; Spastic paraplegia, mental retardation and thin corpus callosum; SPASTIC PARAPLEGIA, AUTOSOMAL RECESSIVE, COMPLICATED, WITH THIN CORPUS CALLOSUM; SPASTIC PARAPLEGIA, AUTOSOMAL RECESSIVE, WITH MENTAL IMPAIRMENT AND THIN CORPUS CALLOSUM; Spastic Paraplegia 11. Identifiers: Orphanet 2822, MedGen C1858479, MONDO:0011445, OMIM 604360.

Allele frequency attached by ClinVar (database versions not stated): gnomAD exomes below 0.00001.

Submission:

Labcorp Genetics (formerly Invitae), Labcorp
Classification: Uncertain significance for Hereditary spastic paraplegia 11. Last evaluated: 2020-04-16. Review status: criteria provided, single submitter. Criteria: Invitae Variant Classification Sherloc (09022015). Collection method: clinical testing. Allele origin: germline.
Comment: This variant has not been reported in the literature in individuals with SPG11-related conditions. Algorithms developed to predict the effect of missense changes on protein structure and function are either unavailable or do not agree on the potential impact of this missense change (SIFT: "Deleterious"; PolyPhen-2: "Possibly Damaging"; Align-GVGD: "Class C0"). In summary, the available evidence is currently insufficient to determine the role of this variant in disease. Therefore, it has been classified as a Variant of Uncertain Significance. This variant is present in population databases (rs372906057, ExAC 0.002%). This sequence change replaces glutamic acid with lysine at codon 953 of the SPG11 protein (p.Glu953Lys). The glutamic acid residue is highly conserved and there is a small physicochemical difference between glutamic acid and lysine.